The following is an entry in ClinVar:

NM_007129.5(ZIC2):c.1347C>T (p.Ser449=)

Gene: ZIC2 (Zic family zinc finger 2; plus strand). Cytogenetic location: 13q32.3.
Variant type: single nucleotide variant.
Coding change: c.1347C>T on transcript NM_007129.5 (MANE Select); coding-DNA position 1347, C replaced by T.
Protein change: p.Ser449=; no amino-acid change (serine 449 retained).
Molecular consequence: synonymous variant.
Genome position (GRCh38, 1-based): chr13:99,985,430, C>T. VCF-style: chr13-99985430-C-T. GRCh37 (hg19) VCF-style: chr13-100637684-C-T.
Identifiers: ClinVar variation 730543 (VCV000730543.11), dbSNP rs1023574991, ClinGen allele CA255397073.

ClinVar aggregate classification (germline): Likely benign. Review status: criteria provided, multiple submitters, no conflicts (2 of 4 stars). 3 submissions from 3 submitters: Likely benign (2). 1 of the submissions does not count toward it. Last evaluated 2025-06-17.

Conditions:
ZIC2-related disorder. Also called: ZIC2-related condition.
Holoprosencephaly 5 (HPE5). Identifiers: Orphanet 2162, MedGen C1864827, MONDO:0012322, OMIM 609637.

Allele frequency attached by ClinVar (database versions not stated): TOPMed 0.00002; gnomAD 0.00003.
gnomAD v4.1: 7 of 1,546,746 alleles (0.00045%); highest among the groups gnomAD compares: Admixed American, 0.0073%; no homozygotes.

Submissions (3):

Labcorp Genetics (formerly Invitae), Labcorp
Classification: Likely benign for Holoprosencephaly 5. Last evaluated: 2025-06-17. Review status: criteria provided, single submitter. Criteria: Invitae Variant Classification Sherloc (09022015). Collection method: clinical testing. Allele origin: germline.

Blueprint Genetics
Classification: Likely benign. Last evaluated: 2024-10-23. Review status: criteria provided, single submitter. Criteria: ACMG Guidelines, 2015. Collection method: clinical testing. Allele origin: germline.

PreventionGenetics, part of Exact Sciences
Classification: Likely benign for ZIC2-related condition. Last evaluated: 2019-02-20. Review status: no assertion criteria provided. Collection method: clinical testing. Allele origin: germline. Not counted in ClinVar's aggregate classification.
Comment: This variant is classified as likely benign based on ACMG/AMP sequence variant interpretation guidelines (Richards et al. 2015 PMID: 25741868, with internal and published modifications).